The following is an entry in ClinVar:

NM_001151.4(SLC25A4):c.542T>C (p.Val181Ala)

Gene: SLC25A4 (solute carrier family 25 member 4; plus strand). Cytogenetic location: 4q35.1.
Variant type: single nucleotide variant.
Coding change: c.542T>C on transcript NM_001151.4 (MANE Select); coding-DNA position 542, T replaced by C.
Protein change: p.Val181Ala; replaces valine 181 with alanine.
Molecular consequence: missense variant.
Genome position (GRCh38, 1-based): chr4:185,145,194, T>C. VCF-style: chr4-185145194-T-C. GRCh37 (hg19) VCF-style: chr4-186066348-T-C.
Other names: short protein forms V181A.
Identifiers: ClinVar variation 1720094 (VCV001720094.5), dbSNP rs2477169749, ClinGen allele CA358896850.

ClinVar aggregate classification (germline): Uncertain significance (1 of 4 stars; one submission).

Submission:

Labcorp Genetics (formerly Invitae), Labcorp
Classification: Uncertain significance. Last evaluated: 2022-09-22. Review status: criteria provided, single submitter. Criteria: Invitae Variant Classification Sherloc (09022015). Collection method: clinical testing. Allele origin: germline.
Comment: In summary, the available evidence is currently insufficient to determine the role of this variant in disease. Therefore, it has been classified as a Variant of Uncertain Significance. This variant has not been reported in the literature in individuals affected with SLC25A4-related conditions. This sequence change replaces valine, which is neutral and non-polar, with alanine, which is neutral and non-polar, at codon 181 of the SLC25A4 protein (p.Val181Ala). This variant is not present in population databases (gnomAD no frequency). Advanced modeling of protein sequence and biophysical properties (such as structural, functional, and spatial information, amino acid conservation, physicochemical variation, residue mobility, and thermodynamic stability) performed at Invitae indicates that this missense variant is not expected to disrupt SLC25A4 protein function.